The following is an entry in ClinVar:

NM_130849.4(SLC39A4):c.1150-6C>T

Gene: SLC39A4 (solute carrier family 39 member 4; minus strand). Cytogenetic location: 8q24.3.
Variant type: single nucleotide variant.
Coding change: c.1150-6C>T on transcript NM_130849.4 (MANE Select); 6 bases into the intron before coding-DNA position 1150, C replaced by T.
Molecular consequence: intron variant.
Genome position (GRCh38, 1-based): chr8:144,414,101, G>A on the plus strand (C>T on the coding strand, the complement: SLC39A4 is on the minus strand). VCF-style: chr8-144414101-G-A. GRCh37 (hg19) VCF-style: chr8-145639485-G-A.
Other names: c.1150-6C>T (NM_130849.3); c.868-6C>T (NM_001374839.1); c.1075-6C>T (NM_017767.3).
Identifiers: ClinVar variation 1136705 (VCV001136705.8), dbSNP rs781934275, ClinGen allele CA4941339.

ClinVar aggregate classification (germline): Likely benign. Review status: criteria provided, multiple submitters, no conflicts (2 of 4 stars). 2 submissions from 2 submitters: Likely benign (2). Last evaluated 2025-10-12.

Conditions:
SLC39A4-related disorder. Also called: SLC39A4-related condition.

Allele frequency attached by ClinVar (database versions not stated): gnomAD exomes 0.00005; TOPMed 0.00006.
gnomAD v4.1: 73 of 1,555,456 alleles (0.0047%); highest among the groups gnomAD compares: Admixed American, 0.014%; no homozygotes.

Submissions (2):

PreventionGenetics, part of Exact Sciences
Classification: Likely benign for SLC39A4-related condition. Last evaluated: 2025-10-12. Review status: criteria provided, single submitter. Criteria: ACMG Guidelines, 2015. Collection method: clinical testing. Allele origin: germline.
Comment: This variant is classified as likely benign based on ACMG/AMP sequence variant interpretation guidelines (Richards et al. 2015 PMID: 25741868, with internal and published modifications).

Labcorp Genetics (formerly Invitae), Labcorp
Classification: Likely benign. Last evaluated: 2024-02-09. Review status: criteria provided, single submitter. Criteria: Invitae Variant Classification Sherloc (09022015). Collection method: clinical testing. Allele origin: germline.